The following is an entry in ClinVar:

ClinVar aggregate classification (germline): Uncertain significance (1 of 4 stars; one submission).

Conditions:
FADD-related immunodeficiency. Also called: Infections, recurrent, with encephalopathy, hepatic dysfunction, and cardiovascular malformations; FADD DEFICIENCY. Identifiers: Orphanet 306550, MedGen C3151062, MONDO:0013408, OMIM 613759.

Allele frequency attached by ClinVar (database versions not stated): gnomAD exomes 0.00002; TOPMed below 0.00001; ExAC 0.00001; gnomAD 0.00001; ESP Exome Variant Server 0.00008.

Submission:

Labcorp Genetics (formerly Invitae), Labcorp
Classification: Uncertain significance for FADD-related immunodeficiency. Last evaluated: 2024-08-31. Review status: criteria provided, single submitter. Criteria: Invitae Variant Classification Sherloc (09022015). Collection method: clinical testing. Allele origin: germline.
Comment: This sequence change replaces arginine, which is basic and polar, with histidine, which is basic and polar, at codon 184 of the FADD protein (p.Arg184His). This variant is present in population databases (rs145623767, gnomAD 0.02%). This variant has not been reported in the literature in individuals affected with FADD-related conditions. ClinVar contains an entry for this variant (Variation ID: 1039740). An algorithm developed to predict the effect of missense changes on protein structure and function (PolyPhen-2) suggests that this variant is likely to be disruptive. In summary, the available evidence is currently insufficient to determine the role of this variant in disease. Therefore, it has been classified as a Variant of Uncertain Significance.

NM_003824.4(FADD):c.551G>A (p.Arg184His)

Gene: FADD (Fas associated via death domain; plus strand). Cytogenetic location: 11q13.3.
Variant type: single nucleotide variant.
Coding change: c.551G>A on transcript NM_003824.4 (MANE Select); coding-DNA position 551, G replaced by A.
Protein change: p.Arg184His; replaces arginine 184 with histidine.
Molecular consequence: missense variant.
Genome position (GRCh38, 1-based): chr11:70,206,397, G>A. VCF-style: chr11-70206397-G-A. GRCh37 (hg19) VCF-style: chr11-70052503-G-A.
Other names: short protein forms R184H.
Identifiers: ClinVar variation 1039740 (VCV001039740.7), dbSNP rs145623767, ClinGen allele CA6158505.